The following is an entry in ClinVar:

NM_003265.3(TLR3):c.1181G>T (p.Arg394Leu)

Gene: TLR3 (toll like receptor 3; plus strand). Cytogenetic location: 4q35.1.
Variant type: single nucleotide variant.
Coding change: c.1181G>T on transcript NM_003265.3 (MANE Select); coding-DNA position 1181, G replaced by T.
Protein change: p.Arg394Leu; replaces arginine 394 with leucine.
Molecular consequence: missense variant.
Genome position (GRCh38, 1-based): chr4:186,082,867, G>T. VCF-style: chr4-186082867-G-T. GRCh37 (hg19) VCF-style: chr4-187004021-G-T.
Other names: short protein forms R394L.
Identifiers: ClinVar variation 1719097 (VCV001719097.6), dbSNP rs141634515, ClinGen allele CA358931285.
Genomic context (GRCh38, chr4:186,082,867, plus strand): 5'-TGTTCACAGGATTGATAAACCTGAAATACTTAAGTCTATCCAACTCCTTTACAAGTTTGC[G>T]AACTTTGACAAATGAAACATTTGTATCACTTGCTCATTCTCCCTTACACATACTCAACCT-3'
Protein context (NP_003256.1, residues 384-404): LSLSNSFTSL[Arg394Leu]TLTNETFVSL

ClinVar aggregate classification (germline): Uncertain significance (1 of 4 stars; one submission).

Conditions:
Encephalopathy, acute, infection-induced (herpes-specific), susceptibility to, 1. Also called: Herpes simplex encephalitis, susceptibility to, 1. Identifiers: Orphanet 1930, MedGen C2750180, MONDO:0024563, OMIM 610551.

gnomAD v4.1: 1 of 1,613,436 alleles (0.000062%); highest among the groups gnomAD compares: African/African-American, 0.0013%; no homozygotes.

Submission:

Labcorp Genetics (formerly Invitae), Labcorp
Classification: Uncertain significance for Encephalopathy, acute, infection-induced (herpes-specific), susceptibility to, 1. Last evaluated: 2022-09-09. Review status: criteria provided, single submitter. Criteria: Invitae Variant Classification Sherloc (09022015). Collection method: clinical testing. Allele origin: germline.
Comment: In summary, the available evidence is currently insufficient to determine the role of this variant in disease. Therefore, it has been classified as a Variant of Uncertain Significance. Algorithms developed to predict the effect of missense changes on protein structure and function (SIFT, PolyPhen-2, Align-GVGD) all suggest that this variant is likely to be tolerated. This sequence change replaces arginine, which is basic and polar, with leucine, which is neutral and non-polar, at codon 394 of the TLR3 protein (p.Arg394Leu). This variant is not present in population databases (gnomAD no frequency). This variant has not been reported in the literature in individuals affected with TLR3-related conditions.